The following is an entry in ClinVar:

NM_000391.4(TPP1):c.778G>C (p.Val260Leu)

Gene: TPP1 (tripeptidyl peptidase 1; minus strand). Cytogenetic location: 11p15.4.
Variant type: single nucleotide variant.
Coding change: c.778G>C on transcript NM_000391.4 (MANE Select); coding-DNA position 778, G replaced by C.
Protein change: p.Val260Leu; replaces valine 260 with leucine.
Molecular consequence: missense variant.
Genome position (GRCh38, 1-based): chr11:6,616,769, C>G on the plus strand (G>C on the coding strand, the complement: TPP1 is on the minus strand). VCF-style: chr11-6616769-C-G. GRCh37 (hg19) VCF-style: chr11-6638000-C-G.
Other names: short protein forms V260L.
Identifiers: ClinVar variation 937857 (VCV000937857.7), dbSNP rs1855592111, ClinGen allele CA379475088.
Genomic context (GRCh38, chr11:6,616,769, plus strand): 5'-GGTACTGCACATCTAGACTGGCCTCAATCCCGGCCCGGCCCCGGCCCTGTTGTCCAACCA[C>G]ACGGGCTACTGATGCCTGATGTGCAAAGTTGCCACCGAAGAGGCGCATGAACTGAGCCAG-3'
Protein context (NP_000382.3, residues 250-270): NFAHQASVAR[Val260Leu]VGQQGRGRAG

ClinVar aggregate classification (germline): Uncertain significance (1 of 4 stars; one submission).

Submission:

Labcorp Genetics (formerly Invitae), Labcorp
Classification: Uncertain significance. Last evaluated: 2021-09-02. Review status: criteria provided, single submitter. Criteria: Invitae Variant Classification Sherloc (09022015). Collection method: clinical testing. Allele origin: germline.
Comment: This sequence change replaces valine with leucine at codon 260 of the TPP1 protein (p.Val260Leu). The valine residue is highly conserved and there is a small physicochemical difference between valine and leucine. This variant is not present in population databases (ExAC no frequency). This variant has not been reported in the literature in individuals affected with TPP1-related conditions. Algorithms developed to predict the effect of missense changes on protein structure and function (SIFT, PolyPhen-2, Align-GVGD) all suggest that this variant is likely to be tolerated. In summary, the available evidence is currently insufficient to determine the role of this variant in disease. Therefore, it has been classified as a Variant of Uncertain Significance.